The following is an entry in ClinVar:

NM_005548.3(KARS1):c.1540G>T (p.Glu514Ter)

Gene: KARS1 (lysyl-tRNA synthetase 1; minus strand). Cytogenetic location: 16q23.1.
Variant type: single nucleotide variant.
Coding change: c.1540G>T on transcript NM_005548.3 (MANE Select); coding-DNA position 1540, G replaced by T.
Protein change: p.Glu514Ter; replaces glutamic acid 514 with a stop codon.
Molecular consequence: nonsense.
Genome position (GRCh38, 1-based): chr16:75,629,426, C>A on the plus strand (G>T on the coding strand, the complement: KARS1 is on the minus strand). VCF-style: chr16-75629426-C-A. GRCh37 (hg19) VCF-style: chr16-75663324-C-A.
Other names: c.1624G>T, p.Glu542Ter (NM_001130089.2); c.1072G>T, p.Glu358Ter (NM_001378148.1); short protein forms E358*, E514*, E542*.
Identifiers: ClinVar variation 2574736 (VCV002574736.1), dbSNP rs372025031, ClinGen allele CA284320147.
Genomic context (GRCh38, chr16:75,629,426, plus strand): 5'-TATTTCCTGGTGAGTTGGCACAGCTTCTGCTCACAGTCCCCTTTCTCACCTTGGCCTGTT[C>A]TTCAAAAAGCTGCCGCTGCCGCATGGGATCATTCAGCTCAGTATACGCATTGCATATCTC-3'

ClinVar aggregate classification (germline): Likely pathogenic (1 of 4 stars; one submission).

Allele frequency attached by ClinVar (database versions not stated): gnomAD exomes below 0.00001; gnomAD 0.00003; TOPMed 0.00003; ESP Exome Variant Server 0.00008.
gnomAD v4.1: 6 of 1,613,928 alleles (0.00037%); highest among the groups gnomAD compares: African/African-American, 0.008%; no homozygotes.

Submission:

GeneDx
Classification: Likely pathogenic. Last evaluated: 2023-08-04. Review status: criteria provided, single submitter. Criteria: GeneDx Variant Classification Process June 2021. Collection method: clinical testing. Allele origin: germline. Affected: yes.
Comment: Nonsense variant predicted to result in protein truncation or nonsense mediated decay in a gene for which loss of function is a known mechanism of disease; Not observed at significant frequency in large population cohorts (gnomAD); Has not been previously published as pathogenic or benign to our knowledge